The following is an entry in ClinVar:

ClinVar aggregate classification (germline): Uncertain significance (1 of 4 stars; one submission).

Conditions:
Chédiak-Higashi syndrome (CHS). Also called: Chediak-Higashi Syndrome. Identifiers: Orphanet 167, MedGen C0007965, MONDO:0008963, OMIM 214500.

Allele frequency attached by ClinVar (database versions not stated): gnomAD exomes below 0.00001; gnomAD 0.00001; TOPMed 0.00002.
gnomAD v4.1: 2 of 1,613,054 alleles (0.00012%); highest among the groups gnomAD compares: Non-Finnish European, 0.00017%; no homozygotes.

Submission:

Labcorp Genetics (formerly Invitae), Labcorp
Classification: Uncertain significance for Chédiak-Higashi syndrome. Last evaluated: 2022-08-16. Review status: criteria provided, single submitter. Criteria: Invitae Variant Classification Sherloc (09022015). Collection method: clinical testing. Allele origin: germline.
Comment: This sequence change replaces threonine, which is neutral and polar, with alanine, which is neutral and non-polar, at codon 1388 of the LYST protein (p.Thr1388Ala). This variant is present in population databases (no rsID available, gnomAD 0.0009%). This variant has not been reported in the literature in individuals affected with LYST-related conditions. Algorithms developed to predict the effect of missense changes on protein structure and function output the following: SIFT: "Tolerated"; PolyPhen-2: "Benign"; Align-GVGD: "Class C0". The alanine amino acid residue is found in multiple mammalian species, which suggests that this missense change does not adversely affect protein function. In summary, the available evidence is currently insufficient to determine the role of this variant in disease. Therefore, it has been classified as a Variant of Uncertain Significance.

NM_000081.4(LYST):c.4162A>G (p.Thr1388Ala)

Gene: LYST (lysosomal trafficking regulator; minus strand). Cytogenetic location: 1q42.3.
Variant type: single nucleotide variant.
Coding change: c.4162A>G on transcript NM_000081.4 (MANE Select); coding-DNA position 4162, A replaced by G.
Protein change: p.Thr1388Ala; replaces threonine 1388 with alanine.
Molecular consequence: missense variant.
Genome position (GRCh38, 1-based): chr1:235,792,080, T>C on the plus strand (A>G on the coding strand, the complement: LYST is on the minus strand). VCF-style: chr1-235792080-T-C. GRCh37 (hg19) VCF-style: chr1-235955380-T-C.
Other names: c.4162A>G, p.Thr1388Ala (NM_001301365.1); short protein forms T1388A.
Identifiers: ClinVar variation 2068102 (VCV002068102.1), dbSNP rs1265479808, ClinGen allele CA344960482.